The following is an entry in ClinVar:

NM_053025.4(MYLK):c.166G>T (p.Val56Phe)

Gene: MYLK (myosin light chain kinase; minus strand). Cytogenetic location: 3q21.1.
Variant type: single nucleotide variant.
Coding change: c.166G>T on transcript NM_053025.4 (MANE Select); coding-DNA position 166, G replaced by T.
Protein change: p.Val56Phe; replaces valine 56 with phenylalanine.
Molecular consequence: missense variant. On other transcripts: intron variant (1).
Genome position (GRCh38, 1-based): chr3:123,752,538, C>A on the plus strand (G>T on the coding strand, the complement: MYLK is on the minus strand). VCF-style: chr3-123752538-C-A. GRCh37 (hg19) VCF-style: chr3-123471385-C-A.
Other names: c.166G>T, p.Val56Phe (NM_053026.4, NM_053027.4, NM_053028.4); c.-155-12537G>T (NM_001321309.2); short protein forms V56F.
Identifiers: ClinVar variation 3704668 (VCV003704668.3).
Genomic context (GRCh38, chr3:123,752,538, plus strand): 5'-CGCTGGTGATGGGTTGCCCGTTTCTGTGCCATGTCACCTGGGGCTCTGGGTAACCCCGGA[C>A]CTTCAAGAAAAAGAAGAAAGGGTAAGAGCCTGTATTTCATGAGTACTCTCTCTGTGTCAG-3'
Protein context (NP_444253.3, residues 46-66): EGATAKFEGR[Val56Phe]RGYPEPQVTW

ClinVar aggregate classification (germline): Uncertain significance (1 of 4 stars; one submission).

Conditions:
Aortic aneurysm, familial thoracic 7 (AAT7). Also called: AORTIC DISSECTION, FAMILIAL, WITH OR WITHOUT AORTIC ANEURYSM. Identifiers: MedGen C3151077, MONDO:0013418, OMIM 613780.

gnomAD v4.1: 26 of 1,612,038 alleles (0.0016%); highest among the groups gnomAD compares: African/African-American, 0.0027%; no homozygotes.

Submissions (2):

Labcorp Genetics (formerly Invitae), Labcorp
Classification: Uncertain significance for Aortic aneurysm, familial thoracic 7. Last evaluated: 2025-12-01. Review status: criteria provided, single submitter. Criteria: Invitae Variant Classification Sherloc (09022015). Collection method: clinical testing. Allele origin: germline.
Comment: This sequence change replaces valine, which is neutral and non-polar, with phenylalanine, which is neutral and non-polar, at codon 56 of the MYLK protein (p.Val56Phe). This variant is present in population databases (rs369537401, gnomAD 0.004%). This variant has not been reported in the literature in individuals affected with MYLK-related conditions. ClinVar contains an entry for this variant (Variation ID: 3704668). An algorithm developed to predict the effect of missense changes on protein structure and function (PolyPhen-2) suggests that this variant is likely to be disruptive. In summary, the available evidence is currently insufficient to determine the role of this variant in disease. Therefore, it has been classified as a Variant of Uncertain Significance.

Dr. Peter K. Rogan Lab, Western University
No classification provided (evidence only). Condition: Lung cancer. Review status: no classification provided. Collection method: in vitro. Allele origin: not applicable. Functional consequence: skipped exon. Not counted in ClinVar's aggregate classification.